The following is an entry in ClinVar:

ClinVar aggregate classification (germline): Likely benign (1 of 4 stars; one submission).

Conditions:
Long QT syndrome (LQTS). Identifiers: MedGen C0023976, MeSH D008133, MONDO:0002442. Disease mechanism: loss of function. Inheritance: Various modes of inheritance.

gnomAD v4.1: 1 of 1,611,750 alleles (0.000062%); highest among the groups gnomAD compares: Non-Finnish European, 0.000085%; no homozygotes.

Submission:

All of Us Research Program, National Institutes of Health
Classification: Likely benign for Long QT syndrome. Last evaluated: 2024-06-09. Review status: criteria provided, single submitter. Criteria: ACMG Guidelines, 2015. Collection method: clinical testing. Allele origin: germline. Inheritance: Autosomal dominant inheritance. Observed: 1 variant allele, 1 heterozygote.
Comment: This study involves interpretation of variants in research participants for the purpose of population health screening. Participant phenotype was not available at the time of variant classification. Additional details can be found in publication PMID: 35346344, PMCID: PMC8962531

NM_000238.4(KCNH2):c.1129-11C>T

Gene: KCNH2 (potassium voltage-gated channel subfamily H member 2; minus strand). Cytogenetic location: 7q36.1.
Variant type: single nucleotide variant.
Coding change: c.1129-11C>T on transcript NM_000238.4 (MANE Select); 11 bases into the intron before coding-DNA position 1129, C replaced by T.
Molecular consequence: intron variant.
Genome position (GRCh38, 1-based): chr7:150,952,864, G>A on the plus strand (C>T on the coding strand, the complement: KCNH2 is on the minus strand). VCF-style: chr7-150952864-G-A. GRCh37 (hg19) VCF-style: chr7-150649952-G-A.
Other names: c.841-11C>T (NM_001406753.1, NM_001406756.1); c.109-11C>T (NM_172057.3, NM_001204798.2); c.1129-11C>T (NM_172056.3); c.952-11C>T (NM_001406755.1); c.829-11C>T (NM_001406757.1).
Identifiers: ClinVar variation 3386906 (VCV003386906.1).